The following is an entry in ClinVar:

NM_020223.4(FAM20C):c.658G>A (p.Val220Met)

Gene: FAM20C (FAM20C golgi associated secretory pathway kinase; plus strand). Cytogenetic location: 7p22.3.
Variant type: single nucleotide variant.
Coding change: c.658G>A on transcript NM_020223.4 (MANE Select); coding-DNA position 658, G replaced by A.
Protein change: p.Val220Met; replaces valine 220 with methionine.
Molecular consequence: missense variant.
Genome position (GRCh38, 1-based): chr7:195,606, G>A. VCF-style: chr7-195606-G-A. GRCh37 (hg19) VCF-style: chr7-195606-G-A.
Other names: c.658G>A (NM_020223.2); short protein forms V220M.
Identifiers: ClinVar variation 1346069 (VCV001346069.8), dbSNP rs200381918, ClinGen allele CA4108962.

ClinVar aggregate classification (germline): Uncertain significance. Review status: criteria provided, multiple submitters, no conflicts (2 of 4 stars). 2 submissions from 2 submitters: Uncertain significance (2). Last evaluated 2025-12-03.

Conditions:
Inborn genetic diseases. Identifiers: MedGen C0950123, MeSH D030342.

Allele frequency attached by ClinVar (database versions not stated): gnomAD 0.00006 and 0.00007; ESP Exome Variant Server 0.00008; gnomAD exomes 0.00009 and 0.00013; ExAC 0.00017.
gnomAD v4.1: 143 of 1,603,262 alleles (0.0089%); highest among the groups gnomAD compares: Middle Eastern, 0.016%; no homozygotes.

Submissions (2):

Labcorp Genetics (formerly Invitae), Labcorp
Classification: Uncertain significance. Last evaluated: 2025-12-03. Review status: criteria provided, single submitter. Criteria: Invitae Variant Classification Sherloc (09022015). Collection method: clinical testing. Allele origin: germline.
Comment: This sequence change replaces valine, which is neutral and non-polar, with methionine, which is neutral and non-polar, at codon 220 of the FAM20C protein (p.Val220Met). This variant is present in population databases (rs200381918, gnomAD 0.1%). This variant has not been reported in the literature in individuals affected with FAM20C-related conditions. ClinVar contains an entry for this variant (Variation ID: 1346069). Invitae Evidence Modeling of protein sequence and biophysical properties (such as structural, functional, and spatial information, amino acid conservation, physicochemical variation, residue mobility, and thermodynamic stability) indicates that this missense variant is not expected to disrupt FAM20C protein function with a negative predictive value of 80%. In summary, the available evidence is currently insufficient to determine the role of this variant in disease. Therefore, it has been classified as a Variant of Uncertain Significance.

Ambry Genetics
Classification: Uncertain significance for Inborn genetic diseases. Last evaluated: 2021-05-16. Review status: criteria provided, single submitter. Criteria: Ambry Variant Classification Scheme 2023. Collection method: clinical testing. Allele origin: germline.